The following is an entry in ClinVar:

ClinVar aggregate classification (germline): Pathogenic/Likely pathogenic. Review status: criteria provided, multiple submitters, no conflicts (2 of 4 stars). 6 submissions from 6 submitters: Pathogenic (1); Likely pathogenic (4). 1 of the submissions does not count toward it. Last evaluated 2026-09-24.

Conditions:
BBS12-related disorder. Also called: BBS12-related condition.
Bardet-Biedl syndrome 12 (BBS12). Identifiers: Orphanet 110, MedGen C1859570, MONDO:0014440, OMIM 615989.
Bardet-Biedl syndrome (BBS). Identifiers: Orphanet 110, MedGen C0752166, MONDO:0015229.

Allele frequency attached by ClinVar (database versions not stated): gnomAD exomes below 0.00001; TOPMed below 0.00001.

Submissions (6):

PreventionGenetics, part of Exact Sciences
Classification: Likely pathogenic for BBS12-related condition. Last evaluated: 2026-09-24. Review status: criteria provided, single submitter. Criteria: ACMG Guidelines, 2015. Collection method: clinical testing. Allele origin: germline.
Comment: The BBS12 c.1140_1141delAG variant is predicted to result in a frameshift and premature protein termination (p.Val381Ilefs*3). To our knowledge, this variant has not been reported in the literature in individuals affected with BBS12-related disorders or in a large population database (gnomAD), indicating this variant is rare. Frameshift variants in BBS12 are expected to be pathogenic. This variant is interpreted as likely pathogenic.

Labcorp Genetics (formerly Invitae), Labcorp
Classification: Pathogenic for Bardet-Biedl syndrome. Last evaluated: 2025-12-10. Review status: criteria provided, single submitter. Criteria: Invitae Variant Classification Sherloc (09022015). Collection method: clinical testing. Allele origin: germline.
Comment: This sequence change creates a premature translational stop signal (p.Val381Ilefs*3) in the BBS12 gene. While this is not anticipated to result in nonsense mediated decay, it is expected to disrupt the last 330 amino acid(s) of the BBS12 protein. This variant is not present in population databases (gnomAD no frequency). This variant has not been reported in the literature in individuals affected with BBS12-related conditions. ClinVar contains an entry for this variant (Variation ID: 550298). This variant disrupts a region of the BBS12 protein in which other variant(s) (p.Arg675*) have been determined to be pathogenic (PMID: 20827784, 21642631). This suggests that this is a clinically significant region of the protein, and that variants that disrupt it are likely to be disease-causing. For these reasons, this variant has been classified as Pathogenic.

Fulgent Genetics
Classification: Likely pathogenic for Bardet-Biedl syndrome 12. Last evaluated: 2024-06-06. Review status: criteria provided, single submitter. Criteria: ACMG Guidelines, 2015. Collection method: clinical testing. Allele origin: germline.

Natera, Inc.
Classification: Likely pathogenic for Bardet-Biedl syndrome type 12. Last evaluated: 2024-04-12. Review status: criteria provided, single submitter. Criteria: Natera Variant Classification Schema (03/2026). Collection method: clinical testing. Allele origin: germline.
Comment: The c.1140_1141delAG variant in BBS12 is a frameshift variant predicted to shift the reading frame beginning at codon 381 and leads to a stop codon 3 codons downstream. This variant is expected to result in nonsense mediated decay, truncation, or a dysfunctional protein product. This variant is rare in the general population with a frequency below the threshold expected for the associated phenotype(s). Given the available evidence, this variant is classified as Likely Pathogenic.

Baylor Genetics
Classification: Likely pathogenic for Bardet-Biedl syndrome 12. Last evaluated: 2024-02-02. Review status: criteria provided, single submitter. Criteria: ACMG Guidelines, 2015. Collection method: clinical testing. Allele origin: unknown.

Counsyl
Classification: Likely pathogenic for Bardet-Biedl syndrome 12. Last evaluated: 2016-12-28. Review status: no assertion criteria provided. Collection method: clinical testing. Allele origin: unknown. Not counted in ClinVar's aggregate classification.

Literature cited by the submitters: PubMed 20827784 (cited by Labcorp Genetics (formerly Invitae), Labcorp); PubMed 21642631 (cited by Labcorp Genetics (formerly Invitae), Labcorp).

NM_152618.3(BBS12):c.1140_1141del (p.Val381fs)

Gene: BBS12 (Bardet-Biedl syndrome 12; plus strand). Cytogenetic location: 4q27.
Variant type: Deletion.
Coding change: c.1140_1141del on transcript NM_152618.3 (MANE Select); coding-DNA positions 1140 to 1141, 2 bases deleted (AG; older notation c.1140_1141delAG).
Protein change: p.Val381fs; shifts the reading frame from valine 381.
Molecular consequence: frameshift variant.
Genome position (GRCh38, 1-based): chr4:122,743,032-122,743,033, AG deleted. VCF-style (leftmost placement, unchanged base first): chr4-122743031-CAG-C. GRCh37 (hg19) VCF-style: chr4-123664186-CAG-C.
Other names: c.1140_1141del, p.Val381fs (NM_001178007.2); short protein forms V381fs.
Identifiers: ClinVar variation 550298 (VCV000550298.9), dbSNP rs1553941391, ClinGen allele CA658821375.